The following is an entry in ClinVar:

ClinVar aggregate classification (germline): Pathogenic/Likely pathogenic. Review status: criteria provided, multiple submitters, no conflicts (2 of 4 stars). 12 submissions from 12 submitters: Pathogenic (5); Likely pathogenic (4). 3 of the submissions do not count toward it. Last evaluated 2025-03-21.

Conditions:
Developmental disorder. Identifiers: MedGen C0008073.
SLC2A1-related disorder. Also called: SLC2A1-related disorders; SLC2A1-related condition.
Encephalopathy due to GLUT1 deficiency. Also called: GLUT1 deficiency syndrome 1; De Vivo disease; GLUT1 deficiency syndrome 1, infantile onset, severe; Glucose transporter protein syndrome; GLUCOSE TRANSPORT DEFECT, BLOOD-BRAIN BARRIER; Classic Glucose Transporter Type 1 Deficiency Syndrome. Identifiers: Orphanet 71277, MedGen C4551966, MONDO:0011724, OMIM 606777.
Childhood onset GLUT1 deficiency syndrome 2. Also called: GLUT1 deficiency syndrome 2; PAROXYSMAL EXERCISE-INDUCED DYSKINESIA WITH OR WITHOUT EPILEPSY AND/OR HEMOLYTIC ANEMIA; PAROXYSMAL EXERTION-INDUCED DYSTONIA WITH OR WITHOUT EPILEPSY AND/OR HEMOLYTIC ANEMIA; PED WITH OR WITHOUT EPILEPSY AND/OR HEMOLYTIC ANEMIA; PxMD-SLC2A1; Paroxysmal exercise-induced dystonia. Identifiers: Orphanet 98811, MedGen C1842534, MONDO:0012805, OMIM 612126.
GLUT1 deficiency syndrome 1, autosomal recessive. Identifiers: MedGen C3149117.
Intellectual disability. Also called: Intellectual functioning disability; intellectual disabilities; Intellectual developmental disorder. Identifiers: MedGen C3714756, MeSH D008607, MONDO:0001071, HP:0001249.

Submissions (12):

Institute of Human Genetics, University of Leipzig Medical Center
Classification: Pathogenic for Encephalopathy due to GLUT1 deficiency. Last evaluated: 2025-03-21. Review status: criteria provided, single submitter. Criteria: ACMG Guidelines, 2015. Collection method: clinical testing. Allele origin: unknown. Inheritance: Autosomal dominant inheritance. Affected: yes.
Comment: Criteria applied: PS4,PS2_MOD,PM2,PM5_SUP,PP2,PP3

Labcorp Genetics (formerly Invitae), Labcorp
Classification: Pathogenic for GLUT1 deficiency syndrome 1, autosomal recessive. Last evaluated: 2025-02-12. Review status: criteria provided, single submitter. Criteria: Invitae Variant Classification Sherloc (09022015). Collection method: clinical testing. Allele origin: germline.
Comment: This sequence change replaces arginine, which is basic and polar, with tryptophan, which is neutral and slightly polar, at codon 92 of the SLC2A1 protein (p.Arg92Trp). This variant is not present in population databases (gnomAD no frequency). This missense change has been observed in individual(s) with PED and paroxysmal kinesigenic dyskinesia (PKD) and paroxysmal exercise-induced dyskinesia (PED) and GLUT1 deficiency syndrome (PMID: 19630075, 25564316, 26598494). In at least one individual the variant was observed to be de novo. ClinVar contains an entry for this variant (Variation ID: 16119). An algorithm developed to predict the effect of missense changes on protein structure and function (PolyPhen-2) suggests that this variant is likely to be disruptive. For these reasons, this variant has been classified as Pathogenic.

CeGaT Center for Human Genetics Tuebingen
Classification: Pathogenic. Last evaluated: 2024-02-01. Review status: criteria provided, single submitter. Criteria: CeGaT Center For Human Genetics Tuebingen Variant Classification Criteria Version 2. Collection method: clinical testing. Allele origin: germline. Affected: yes. Observed: 1 variant allele.
Comment: SLC2A1: PP1:Strong, PS2, PM2, PS4:Moderate, PP3

GeneDx
Classification: Pathogenic. Last evaluated: 2023-05-30. Review status: criteria provided, single submitter. Criteria: GeneDx Variant Classification Process June 2021. Collection method: clinical testing. Allele origin: germline. Affected: yes.
Comment: Not observed at significant frequency in large population cohorts (gnomAD); In silico analysis supports that this missense variant has a deleterious effect on protein structure/function; This variant is associated with the following publications: (PMID: 26598494, 24892788, 24847886, 19630075, 26350204, 32247176, 31440721, 25564316)

Genome-Nilou Lab
Classification: Likely pathogenic for Encephalopathy due to GLUT1 deficiency. Last evaluated: 2023-04-11. Review status: criteria provided, single submitter. Criteria: ACMG Guidelines, 2015. Collection method: clinical testing. Allele origin: germline. Affected: no.

Laboratory of Human Genetics, Universidade de São Paulo
Classification: Pathogenic for Encephalopathy due to GLUT1 deficiency; Childhood onset GLUT1 deficiency syndrome 2. Last evaluated: 2022-05-13. Review status: criteria provided, single submitter. Criteria: ACMG Guidelines, 2015. Collection method: research. Allele origin: de novo. Affected: yes. Observed: 1 heterozygote.
Comment: This variant meets our criteria to be classified as pathogenic based upon segregation studies, extremely low frequency, and in-silico evaluation of pathogenicity.

Department of Genetics, Rouen University Hospital, Normandy Center for Genomic and Personalized Medicine
Classification: Likely pathogenic for Developmental disorder. Last evaluated: 2021-11-19. Review status: criteria provided, single submitter. Criteria: ACMG Guidelines, 2015. Collection method: clinical testing. Allele origin: maternal. Affected: yes.

Blueprint Genetics
Classification: Likely pathogenic for SLC2A1-related disorders. Last evaluated: 2019-12-23. Review status: criteria provided, single submitter. Criteria: ACMG Guidelines, 2015. Collection method: clinical testing. Allele origin: germline. Affected: yes. Observed: 1 variant allele.

Raymond Lab, University of Cambridge
Classification: Likely pathogenic for Intellectual disability. Last evaluated: 2019-02-13. Review status: criteria provided, single submitter. Criteria: ACMG Guidelines, 2015. Collection method: research. Allele origin: unknown. Affected: yes. Observed: 1 variant allele.

OMIM
Classification: Pathogenic for GLUT1 DEFICIENCY SYNDROME 2. Last evaluated: 2009-08-15. Review status: no assertion criteria provided. Collection method: literature only. Allele origin: germline. Not counted in ClinVar's aggregate classification.

Genome Diagnostics Laboratory, University Medical Center Utrecht
Classification: Pathogenic. Review status: no assertion criteria provided. Collection method: clinical testing. Allele origin: germline. Affected: yes. Study: VKGL Data-share Consensus. Not counted in ClinVar's aggregate classification.

Joint Genome Diagnostic Labs from Nijmegen and Maastricht, Radboudumc and MUMC+
Classification: Pathogenic. Review status: no assertion criteria provided. Collection method: clinical testing. Allele origin: germline. Affected: yes. Study: VKGL Data-share Consensus. Not counted in ClinVar's aggregate classification.

Literature cited by the submitters: PubMed 19630075 (cited by Labcorp Genetics (formerly Invitae), Labcorp and OMIM); PubMed 25564316 (cited by Labcorp Genetics (formerly Invitae), Labcorp); PubMed 26598494 (cited by Labcorp Genetics (formerly Invitae), Labcorp).

NM_006516.4(SLC2A1):c.274C>T (p.Arg92Trp)

Gene: SLC2A1 (solute carrier family 2 member 1; minus strand). Cytogenetic location: 1p34.2.
Variant type: single nucleotide variant.
Coding change: c.274C>T on transcript NM_006516.4 (MANE Select); coding-DNA position 274, C replaced by T.
Protein change: p.Arg92Trp; replaces arginine 92 with tryptophan.
Molecular consequence: missense variant.
Genome position (GRCh38, 1-based): chr1:42,931,047, G>A on the plus strand (C>T on the coding strand, the complement: SLC2A1 is on the minus strand). VCF-style: chr1-42931047-G-A. GRCh37 (hg19) VCF-style: chr1-43396718-G-A.
Other names: R91W; short protein forms R92W.
Identifiers: ClinVar variation 16119 (VCV000016119.45), dbSNP rs202060209, ClinGen allele CA019118.